The following is an entry in ClinVar:

NM_173354.5(SIK1):c.1471G>C (p.Val491Leu)

Gene: SIK1 (salt inducible kinase 1; minus strand). Cytogenetic location: 21q22.3.
Variant type: single nucleotide variant.
Coding change: c.1471G>C on transcript NM_173354.5 (MANE Select); coding-DNA position 1471, G replaced by C.
Protein change: p.Val491Leu; replaces valine 491 with leucine.
Molecular consequence: missense variant.
Genome position (GRCh38, 1-based): chr21:43,418,533, C>G on the plus strand (G>C on the coding strand, the complement: SIK1 is on the minus strand). VCF-style: chr21-43418533-C-G. GRCh37 (hg19) VCF-style: chr21-44838413-C-G.
Other names: p.Val491Leu; short protein forms V491L.
Identifiers: ClinVar variation 476086 (VCV000476086.42), dbSNP rs140222760, ClinGen allele CA321325530.

ClinVar aggregate classification (germline): Benign/Likely benign. Review status: criteria provided, multiple submitters, no conflicts (2 of 4 stars). 6 submissions from 6 submitters: Benign (2); Likely benign (4). Last evaluated 2026-01-19.

Conditions:
Developmental and epileptic encephalopathy, 30 (DEE30). Also called: Epileptic encephalopathy, early infantile, 30. Identifiers: MedGen C4225360, MONDO:0014595, OMIM 616341.
Inborn genetic diseases. Identifiers: MedGen C0950123, MeSH D030342.

Allele frequency attached by ClinVar (database versions not stated): ESP Exome Variant Server 0.00031; 1000 Genomes Project 0.00060.

Submissions (6):

Labcorp Genetics (formerly Invitae), Labcorp
Classification: Likely benign for Developmental and epileptic encephalopathy, 30. Last evaluated: 2026-01-19. Review status: criteria provided, single submitter. Criteria: Invitae Variant Classification Sherloc (09022015). Collection method: clinical testing. Allele origin: germline.

Mayo Clinic Laboratories, Mayo Clinic
Classification: Benign. Last evaluated: 2025-03-14. Review status: criteria provided, single submitter. Criteria: ACMG Guidelines, 2015. Collection method: clinical testing. Allele origin: germline. Observed: 2 variant alleles.
Comment: BS1, BP4

Blueprint Genetics
Classification: Likely benign. Last evaluated: 2024-11-25. Review status: criteria provided, single submitter. Criteria: ACMG Guidelines, 2015. Collection method: clinical testing. Allele origin: germline.

CeGaT Center for Human Genetics Tuebingen
Classification: Benign. Last evaluated: 2023-06-01. Review status: criteria provided, single submitter. Criteria: CeGaT Center For Human Genetics Tuebingen Variant Classification Criteria Version 2. Collection method: clinical testing. Allele origin: germline. Affected: yes. Observed: 1 variant allele.
Comment: SIK1: BP4, BS1, BS2

New York Genome Center
Classification: Likely benign for Developmental and epileptic encephalopathy, 30. Last evaluated: 2019-09-13. Review status: criteria provided, single submitter. Criteria: NYGC Assertion Criteria 2020. Collection method: clinical testing. Allele origin: germline. Inheritance: Autosomal dominant inheritance. Observed: 1 heterozygote. Study: CSER-NYCKidSeq.

Ambry Genetics
Classification: Likely benign for Inborn genetic diseases. Last evaluated: 2018-09-01. Review status: criteria provided, single submitter. Criteria: Ambry Variant Classification Scheme 2023. Collection method: clinical testing. Allele origin: germline.